The following is an entry in ClinVar:

ClinVar aggregate classification (germline): Uncertain significance. Review status: criteria provided, multiple submitters, no conflicts (2 of 4 stars). 3 submissions from 3 submitters: Uncertain significance (3). Last evaluated 2024-06-19.

Conditions:
Congenital stationary night blindness 2A (CSNB2A). Also called: NIGHT BLINDNESS, CONGENITAL STATIONARY, TYPE 2; CSNB, INCOMPLETE, X-LINKED; Night blindness, congenital stationary (incomplete), 2A, X-linked; CACNA1F-Related X-Linked Congenital Stationary Night Blindness. Identifiers: Orphanet 215, MedGen C1848172, MONDO:0010241, OMIM 300071.

Allele frequency attached by ClinVar (database versions not stated): gnomAD 0.00003 and 0.00004; gnomAD exomes 0.00007 and 0.00014; ESP Exome Variant Server 0.00009; TOPMed 0.00009; ExAC 0.00010.
gnomAD v4.1: 159 of 1,209,533 alleles (0.013%); highest among the groups gnomAD compares: Non-Finnish European, 0.017%; no homozygotes.

Submissions (3):

Labcorp Genetics (formerly Invitae), Labcorp
Classification: Uncertain significance. Last evaluated: 2024-06-19. Review status: criteria provided, single submitter. Criteria: Invitae Variant Classification Sherloc (09022015). Collection method: clinical testing. Allele origin: germline.
Comment: This sequence change replaces aspartic acid, which is acidic and polar, with asparagine, which is neutral and polar, at codon 1966 of the CACNA1F protein (p.Asp1966Asn). This variant is present in population databases (rs376042913, gnomAD 0.02%). This variant has not been reported in the literature in individuals affected with CACNA1F-related conditions. ClinVar contains an entry for this variant (Variation ID: 958540). An algorithm developed to predict the effect of missense changes on protein structure and function (PolyPhen-2) suggests that this variant is likely to be tolerated. In summary, the available evidence is currently insufficient to determine the role of this variant in disease. Therefore, it has been classified as a Variant of Uncertain Significance.

Blueprint Genetics
Classification: Uncertain significance. Last evaluated: 2024-05-31. Review status: criteria provided, single submitter. Criteria: ACMG Guidelines, 2015. Collection method: clinical testing. Allele origin: germline.

Genetics and Molecular Pathology, SA Pathology
Classification: Uncertain significance for Congenital stationary night blindness 2A. Last evaluated: 2022-05-02. Review status: criteria provided, single submitter. Criteria: ACMG Guidelines, 2015. Collection method: clinical testing. Allele origin: germline. Affected: yes.

NM_001256789.3(CACNA1F):c.5863G>A (p.Asp1955Asn)

Gene: CACNA1F (calcium voltage-gated channel subunit alpha1 F; minus strand). Cytogenetic location: Xp11.23.
Variant type: single nucleotide variant.
Coding change: c.5863G>A on transcript NM_001256789.3 (MANE Select); coding-DNA position 5863, G replaced by A.
Protein change: p.Asp1955Asn; replaces aspartic acid 1955 with asparagine.
Molecular consequence: missense variant.
Genome position (GRCh38, 1-based): chrX:49,205,175, C>T on the plus strand (G>A on the coding strand, the complement: CACNA1F is on the minus strand). VCF-style: chrX-49205175-C-T. GRCh37 (hg19) VCF-style: chrX-49061635-C-T.
Other names: c.5701G>A, p.Asp1901Asn (NM_001256790.3); c.5896G>A, p.Asp1966Asn (NM_005183.4); short protein forms D1901N, D1955N, D1966N.
Identifiers: ClinVar variation 958540 (VCV000958540.12), dbSNP rs376042913, ClinGen allele CA10409883.